The following is an entry in ClinVar:

ClinVar aggregate classification (germline): Uncertain significance (1 of 4 stars; one submission).

Submission:

Labcorp Genetics (formerly Invitae), Labcorp
Classification: Uncertain significance. Last evaluated: 2024-06-06. Review status: criteria provided, single submitter. Criteria: Invitae Variant Classification Sherloc (09022015). Collection method: clinical testing. Allele origin: germline.
Comment: This sequence change replaces glutamic acid, which is acidic and polar, with aspartic acid, which is acidic and polar, at codon 732 of the HYOU1 protein (p.Glu732Asp). This variant is not present in population databases (gnomAD no frequency). This variant has not been reported in the literature in individuals affected with HYOU1-related conditions. An algorithm developed to predict the effect of missense changes on protein structure and function (PolyPhen-2) suggests that this variant is likely to be tolerated. In summary, the available evidence is currently insufficient to determine the role of this variant in disease. Therefore, it has been classified as a Variant of Uncertain Significance.

NM_006389.5(HYOU1):c.2196G>T (p.Glu732Asp)

Gene: HYOU1 (hypoxia up-regulated 1; minus strand). Cytogenetic location: 11q23.3.
Variant type: single nucleotide variant.
Coding change: c.2196G>T on transcript NM_006389.5 (MANE Select); coding-DNA position 2196, G replaced by T.
Protein change: p.Glu732Asp; replaces glutamic acid 732 with aspartic acid.
Molecular consequence: missense variant.
Genome position (GRCh38, 1-based): chr11:119,048,533, C>A on the plus strand (G>T on the coding strand, the complement: HYOU1 is on the minus strand). VCF-style: chr11-119048533-C-A. GRCh37 (hg19) VCF-style: chr11-118919245-C-A.
Other names: c.2196G>T, p.Glu732Asp (NM_001130991.3, NM_001411041.1); short protein forms E732D.
Identifiers: ClinVar variation 3673587 (VCV003673587.2).